The following is an entry in ClinVar:

NM_024334.3(TMEM43):c.429G>C (p.Thr143=)

Gene: TMEM43 (transmembrane protein 43; plus strand). Cytogenetic location: 3p25.1.
Variant type: single nucleotide variant.
Coding change: c.429G>C on transcript NM_024334.3 (MANE Select); coding-DNA position 429, G replaced by C.
Protein change: p.Thr143=; no amino-acid change (threonine 143 retained).
Molecular consequence: synonymous variant.
Genome position (GRCh38, 1-based): chr3:14,132,582, G>C. VCF-style: chr3-14132582-G-C. GRCh37 (hg19) VCF-style: chr3-14174082-G-C.
Other names: c.429G>C, p.Thr143= (NM_001407274.1, NM_001407275.1, NM_001407276.1 and 2 more transcripts); c.414G>C, p.Thr138= (NM_001407278.1); c.279G>C, p.Thr93= (NM_001407280.1).
Identifiers: ClinVar variation 3605378 (VCV003605378.2).

ClinVar aggregate classification (germline): Uncertain significance (1 of 4 stars; one submission).

Conditions:
Arrhythmogenic right ventricular dysplasia 5. Also called: ARRHYTHMOGENIC RIGHT VENTRICULAR DYSPLASIA, FAMILIAL, 5; Arrhythmogenic Right Ventricular Dysplasia/Cardiomyopathy 5. Identifiers: MedGen C1858379, MONDO:0011459, OMIM 604400.

Submission:

Labcorp Genetics (formerly Invitae), Labcorp
Classification: Uncertain significance for Arrhythmogenic right ventricular dysplasia 5. Last evaluated: 2024-04-25. Review status: criteria provided, single submitter. Criteria: Invitae Variant Classification Sherloc (09022015). Collection method: clinical testing. Allele origin: germline.
Comment: This sequence change affects codon 143 of the TMEM43 mRNA. It is a 'silent' change, meaning that it does not change the encoded amino acid sequence of the TMEM43 protein. This variant is not present in population databases (gnomAD no frequency). This variant has not been reported in the literature in individuals affected with TMEM43-related conditions. Algorithms developed to predict the effect of sequence changes on RNA splicing suggest that this variant may create or strengthen a splice site. In summary, the available evidence is currently insufficient to determine the role of this variant in disease. Therefore, it has been classified as a Variant of Uncertain Significance.